The following is an entry in ClinVar:

ClinVar aggregate classification (germline): Benign. Review status: criteria provided, multiple submitters, no conflicts (2 of 4 stars). 3 submissions from 3 submitters: Benign (2). 1 of the submissions does not count toward it. Last evaluated 2019-12-31.

Conditions:
NOS1-related disorder. Also called: NOS1-related condition.

Allele frequency attached by ClinVar (database versions not stated): gnomAD exomes 0.00079 and 0.00193; ExAC 0.00223; 1000 Genomes Project 0.00679; 1000 Genomes Project 30x 0.00687; gnomAD 0.00765 and 0.00831; ESP Exome Variant Server 0.00838; TOPMed 0.00855.
gnomAD v4.1: 2,382 of 1,614,064 alleles (0.15%); highest among the groups gnomAD compares: African/African-American, 2.7%; 25 homozygotes.

Submissions (3):

Labcorp Genetics (formerly Invitae), Labcorp
Classification: Benign. Last evaluated: 2019-12-31. Review status: criteria provided, single submitter. Criteria: Invitae Variant Classification Sherloc (09022015). Collection method: clinical testing. Allele origin: germline.

Breakthrough Genomics
Classification: Benign. Review status: criteria provided, single submitter. Criteria: ACMG Guidelines, 2015. Collection method: not provided. Allele origin: germline. Inheritance: Unknown mechanism. Affected: yes.

PreventionGenetics, part of Exact Sciences
Classification: Benign for NOS1-related condition. Last evaluated: 2024-04-04. Review status: no assertion criteria provided. Collection method: clinical testing. Allele origin: germline. Not counted in ClinVar's aggregate classification.
Comment: This variant is classified as benign based on ACMG/AMP sequence variant interpretation guidelines (Richards et al. 2015 PMID: 25741868, with internal and published modifications).

NM_000620.5(NOS1):c.3453C>T (p.Ile1151=)

Gene: NOS1 (nitric oxide synthase 1; minus strand). Cytogenetic location: 12q24.22.
Variant type: single nucleotide variant.
Coding change: c.3453C>T on transcript NM_000620.5 (MANE Select); coding-DNA position 3453, C replaced by T.
Protein change: p.Ile1151=; no amino-acid change (isoleucine 1151 retained).
Molecular consequence: synonymous variant.
Genome position (GRCh38, 1-based): chr12:117,227,594, G>A on the plus strand (C>T on the coding strand, the complement: NOS1 is on the minus strand). VCF-style: chr12-117227594-G-A. GRCh37 (hg19) VCF-style: chr12-117665399-G-A.
Other names: c.2445C>T, p.Ile815= (NM_001204213.2, NM_001204214.2); c.3555C>T, p.Ile1185= (NM_001204218.2); c.3555C>T (NM_001204218.1).
Identifiers: ClinVar variation 711575 (VCV000711575.7), dbSNP rs9658500, ClinGen allele CA6814497.
Genomic context (GRCh38, chr12:117,227,594, plus strand): 5'-CTGGGTCAGGAGCAGGGTGGCCGGCATCTGGATAGATGGGAACTCCTCCAGCACCTCCAC[G>A]ATGGTGGGGTTCTTGCCCCATTTCCATTCCTCGTACTCCTGCAAACCCTGTGCCAAGGAG-3'
Protein context (NP_000611.1, residues 1141-1161): EEWKWGKNPT[Ile1151=]VEVLEEFPSI